The following is an entry in ClinVar:

ClinVar aggregate classification (germline): Uncertain significance. Review status: criteria provided, multiple submitters, no conflicts (2 of 4 stars). 2 submissions from 2 submitters: Uncertain significance (2). Last evaluated 2023-12-30.

Conditions:
Neuromuscular disease caused by qualitative or quantitative defects of dysferlin. Also called: Dysferlinopathy; Qualitative or quantitative defects of dysferlin. Identifiers: Orphanet 207073, MedGen C2931687, MONDO:0016145.

Submissions (2):

Labcorp Genetics (formerly Invitae), Labcorp
Classification: Uncertain significance for Neuromuscular disease caused by qualitative or quantitative defects of dysferlin. Last evaluated: 2023-12-30. Review status: criteria provided, single submitter. Criteria: Invitae Variant Classification Sherloc (09022015). Collection method: clinical testing. Allele origin: germline.
Comment: This sequence change replaces tryptophan, which is neutral and slightly polar, with arginine, which is basic and polar, at codon 1968 of the DYSF protein (p.Trp1968Arg). This variant is not present in population databases (gnomAD no frequency). This missense change has been observed in individual(s) with limb-girdle muscular dystrophy (PMID: 30564623; Invitae). ClinVar contains an entry for this variant (Variation ID: 285737). Advanced modeling of protein sequence and biophysical properties (such as structural, functional, and spatial information, amino acid conservation, physicochemical variation, residue mobility, and thermodynamic stability) performed at Invitae indicates that this missense variant is expected to disrupt DYSF protein function with a positive predictive value of 95%. In summary, the available evidence is currently insufficient to determine the role of this variant in disease. Therefore, it has been classified as a Variant of Uncertain Significance.

Eurofins Ntd Llc (ga)
Classification: Uncertain significance. Last evaluated: 2016-01-23. Review status: criteria provided, single submitter. Criteria: EGL Classification Definitions 2015. Collection method: clinical testing. Allele origin: germline. Observed: 1 variant allele, 1 homozygote.

Literature cited by the submitters: PubMed 30564623 (cited by Labcorp Genetics (formerly Invitae), Labcorp).

NM_001130987.2(DYSF):c.6019T>C (p.Trp2007Arg)

Gene: DYSF (dysferlin; plus strand). Cytogenetic location: 2p13.2.
Variant type: single nucleotide variant.
Coding change: c.6019T>C on transcript NM_001130987.2 (MANE Select); coding-DNA position 6019, T replaced by C.
Protein change: p.Trp2007Arg; replaces tryptophan 2007 with arginine.
Molecular consequence: missense variant.
Genome position (GRCh38, 1-based): chr2:71,679,191, T>C. VCF-style: chr2-71679191-T-C. GRCh37 (hg19) VCF-style: chr2-71906321-T-C.
Other names: c.5905T>C, p.Trp1969Arg (NM_001130455.2); c.5860T>C, p.Trp1954Arg (NM_001130976.2); c.5923T>C, p.Trp1975Arg (NM_001130977.2); c.5965T>C, p.Trp1989Arg (NM_001130978.2); c.5995T>C, p.Trp1999Arg (NM_001130979.2); c.5953T>C, p.Trp1985Arg (NM_001130980.2); c.6016T>C, p.Trp2006Arg (NM_001130981.2); c.5998T>C, p.Trp2000Arg (NM_001130982.2); and 5 more; short protein forms W1968R, W2007R, W1954R, W1955R, W1969R, W1975R, W1976R, W1986R.
Identifiers: ClinVar variation 285737 (VCV000285737.8), dbSNP rs886043194, ClinGen allele CA10605224.
Genomic context (GRCh38, chr2:71,679,191, plus strand): 5'-GATGATGCTTTCCACCCAGAATGGTTTGTGTCCCTTTTTGAGCAGAAAACAGTGAAGGGC[T>C]GGTGGCCCTGTGTAGCAGAAGAGGGTGAGAAGAAAATACTGGCGGTAAGTCTACTTCCTC-3'
Protein context (NP_001124459.1, residues 1997-2017): SLFEQKTVKG[Trp2007Arg]WPCVAEEGEK